The following is an entry in ClinVar:

NM_001134831.2(AHI1):c.145A>G (p.Ile49Val)

Gene: AHI1 (Abelson helper integration site 1; minus strand). Cytogenetic location: 6q23.3.
Variant type: single nucleotide variant.
Coding change: c.145A>G on transcript NM_001134831.2 (MANE Select); coding-DNA position 145, A replaced by G.
Protein change: p.Ile49Val; replaces isoleucine 49 with valine.
Molecular consequence: missense variant.
Genome position (GRCh38, 1-based): chr6:135,467,625, T>C on the plus strand (A>G on the coding strand, the complement: AHI1 is on the minus strand). VCF-style: chr6-135467625-T-C. GRCh37 (hg19) VCF-style: chr6-135788763-T-C.
Other names: c.145A>G, p.Ile49Val (NM_001134830.2, NM_001134832.2, NM_001350503.2 and 2 more transcripts); short protein forms I49V.
Identifiers: ClinVar variation 1516379 (VCV001516379.6), dbSNP rs533707253, ClinGen allele CA4012907.
Genomic context (GRCh38, chr6:135,467,625, plus strand): 5'-TGTTAGCAGTACTTACATCATCACTTGTAGTTTCTTTCATATAGTGAAGATTGCTTCTAA[T>C]AGTGTCAGGCTAAAAAGGAAGACATAATAAAGTTTCAGCTAAGCGTAGATTAGTTGTATC-3'
Protein context (NP_001128303.1, residues 39-59): RSEENISPDT[Ile49Val]RSNLHYMKET

ClinVar aggregate classification (germline): Uncertain significance. Review status: criteria provided, multiple submitters, no conflicts (2 of 4 stars). 2 submissions from 2 submitters: Uncertain significance (2). Last evaluated 2022-02-04.

Conditions:
Joubert syndrome. Also called: CEREBELLOPARENCHYMAL DISORDER IV; JOUBERT-BOLTSHAUSER SYNDROME; Familial aplasia of the vermis. Identifiers: Orphanet 475, MedGen C5979921, MONDO:0018772.
Joubert syndrome 3 (JBTS3). Also called: AHI1-related Ciliopathy. Identifiers: Orphanet 220493, MedGen C1837713, MONDO:0012078, OMIM 608629.

Allele frequency attached by ClinVar (database versions not stated): gnomAD 0.00001; gnomAD exomes 0.00001; ExAC 0.00002; 1000 Genomes Project 30x 0.00016; 1000 Genomes Project 0.00020.
gnomAD v4.1: 11 of 1,606,572 alleles (0.00068%); highest among the groups gnomAD compares: Admixed American, 0.0017%; no homozygotes.

Submissions (2):

Labcorp Genetics (formerly Invitae), Labcorp
Classification: Uncertain significance for Joubert syndrome. Last evaluated: 2022-02-04. Review status: criteria provided, single submitter. Criteria: Invitae Variant Classification Sherloc (09022015). Collection method: clinical testing. Allele origin: germline.
Comment: This sequence change replaces isoleucine, which is neutral and non-polar, with valine, which is neutral and non-polar, at codon 49 of the AHI1 protein (p.Ile49Val). This variant is present in population databases (rs533707253, gnomAD 0.003%). This variant has not been reported in the literature in individuals affected with AHI1-related conditions. Advanced modeling of protein sequence and biophysical properties (such as structural, functional, and spatial information, amino acid conservation, physicochemical variation, residue mobility, and thermodynamic stability) performed at Invitae indicates that this missense variant is not expected to disrupt AHI1 protein function. In summary, the available evidence is currently insufficient to determine the role of this variant in disease. Therefore, it has been classified as a Variant of Uncertain Significance.

Fulgent Genetics
Classification: Uncertain significance for Joubert syndrome 3. Last evaluated: 2021-12-27. Review status: criteria provided, single submitter. Criteria: ACMG Guidelines, 2015. Collection method: clinical testing. Allele origin: unknown.